The following is an entry in ClinVar:

ClinVar aggregate classification (germline): Uncertain significance. Review status: criteria provided, multiple submitters, no conflicts (2 of 4 stars). 6 submissions from 6 submitters: Uncertain significance (6). Last evaluated 2025-03-19.

Conditions:
Familial cancer of breast. Also called: Hereditary breast cancer; BREAST CANCER, FAMILIAL; hereditary breast carcinoma. Identifiers: Orphanet 227535, MedGen C0346153, MONDO:0016419, OMIM 114480. Disease mechanism: loss of function.
Hereditary cancer-predisposing syndrome. Also called: Hereditary neoplastic syndrome; Tumor predisposition; Neoplastic Syndromes, Hereditary; Hereditary Cancer Syndrome. Identifiers: Orphanet 140162, MedGen C0027672, MeSH D009386, MONDO:0015356.

Allele frequency attached by ClinVar (database versions not stated): gnomAD exomes below 0.00001.
gnomAD v4.1: 1 of 1,596,132 alleles (0.000063%); highest among the groups gnomAD compares: Non-Finnish European, 0.000085%; no homozygotes.

Submissions (6):

Labcorp Genetics (formerly Invitae), Labcorp
Classification: Uncertain significance for Familial cancer of breast. Last evaluated: 2025-03-19. Review status: criteria provided, single submitter. Criteria: Invitae Variant Classification Sherloc (09022015). Collection method: clinical testing. Allele origin: germline.
Comment: This sequence change replaces lysine, which is basic and polar, with arginine, which is basic and polar, at codon 472 of the CHEK2 protein (p.Lys472Arg). This variant is not present in population databases (gnomAD no frequency). This missense change has been observed in individual(s) with personal and/or family history of breast and/or ovarian cancer (PMID: 31159747). ClinVar contains an entry for this variant (Variation ID: 418901). An algorithm developed to predict the effect of missense changes on protein structure and function (PolyPhen-2) suggests that this variant is likely to be disruptive. In summary, the available evidence is currently insufficient to determine the role of this variant in disease. Therefore, it has been classified as a Variant of Uncertain Significance.

Ambry Genetics
Classification: Uncertain significance for Hereditary cancer-predisposing syndrome. Last evaluated: 2023-08-15. Review status: criteria provided, single submitter. Criteria: Ambry Variant Classification Scheme 2023. Collection method: clinical testing. Allele origin: germline.
Comment: The p.K472R variant (also known as c.1415A>G), located in coding exon 12 of the CHEK2 gene, results from an A to G substitution at nucleotide position 1415. The lysine at codon 472 is replaced by arginine, an amino acid with highly similar properties. This alteration was reported as functional in a study assessing CHEK2-complementation through quantification of KAP1 phosphorylation and CHK2 autophosphorylation in human RPE1-CHEK2-knockout cells (Stolarova L et al. Clin Cancer Res, 2023 Aug;29:3037-3050). This amino acid position is highly conserved in available vertebrate species. In addition, this alteration is predicted to be tolerated by in silico analysis. Since supporting evidence is limited at this time, the clinical significance of this alteration remains unclear.

Color Diagnostics, LLC DBA Color Health
Classification: Uncertain significance for Hereditary cancer-predisposing syndrome. Last evaluated: 2022-08-01. Review status: criteria provided, single submitter. Criteria: ACMG Guidelines, 2015. Collection method: clinical testing. Allele origin: germline.
Comment: This missense variant replaces lysine with arginine at codon 472 of the CHEK2 protein. Computational prediction suggests that this variant may not impact protein structure and function (internally defined REVEL score threshold <= 0.5, PMID: 27666373). To our knowledge, functional studies have not been reported for this variant. This variant has not been reported in individuals affected with hereditary cancer in the literature. This variant has not been identified in the general population by the Genome Aggregation Database (gnomAD). The available evidence is insufficient to determine the role of this variant in disease conclusively. Therefore, this variant is classified as a Variant of Uncertain Significance.

Sema4
Classification: Uncertain significance for Hereditary cancer-predisposing syndrome. Last evaluated: 2021-09-25. Review status: criteria provided, single submitter. Criteria: Sema4 Curation Guidelines. Collection method: curation. Allele origin: germline.
Comment: The CHEK2 c.1415A>G (p.K472R) variant has been reported in 1 individual with a personal or family history of breast and/or ovarian cancer (PMID 31159747). This variant was not observed in in the large and broad cohorts of the Genome Aggregation Database (PMID: 32461654). This variant has been reported in ClinVar (Variation ID 418901). In silico tools suggest the impact of the variant on protein function is benign, though these predictions have not been confirmed by functional studies. The overall evidence is insufficient to meet ACMG/AMP criteria for classifying it as benign or pathogenic. In summary, the clinical significance of this variant is currently uncertain.

GeneKor MSA
Classification: Uncertain significance for Hereditary cancer-predisposing syndrome. Last evaluated: 2018-08-01. Review status: criteria provided, single submitter. Criteria: ACMG Guidelines, 2015. Collection method: clinical testing. Allele origin: germline. Affected: yes.

GeneDx
Classification: Uncertain significance. Last evaluated: 2016-07-13. Review status: criteria provided, single submitter. Criteria: GeneDx Variant Classification (06012015). Collection method: clinical testing. Allele origin: germline. Affected: yes.
Comment: This variant is denoted CHEK2 c.1415A>G at the cDNA level, p.Lys472Arg (K472R) at the protein level, and results in the change of a Lysine to an Arginine (AAG>AGG). This variant has not, to our knowledge, been published in the literature as pathogenic or benign. CHEK2 Lys472Arg was not observed in approximately 3,700 individuals of European and African American ancestry in the NHLBI Exome Sequencing Project, indicating it is not a common benign variant in these populations. Since Lysine and Arginine share similar properties, this is considered a conservative amino acid substitution. CHEK2 Lys472Arg occurs at a position that is not conserved and is located within the protein kinase domain (Desrichard 2011, Roeb 2012). In silico analyses are inconsistent regarding the effect this variant may have on protein structure and function. Based on currently available information, it is unclear whether CHEK2 Lys472Arg is pathogenic or benign. We consider it to be a variant of uncertain significance.

Literature cited by the submitters: PubMed 31159747 (cited by Labcorp Genetics (formerly Invitae), Labcorp and Sema4); PubMed 37449874 (cited by Ambry Genetics).

NM_007194.4(CHEK2):c.1415A>G (p.Lys472Arg)

Gene: CHEK2 (checkpoint kinase 2; minus strand). Cytogenetic location: 22q12.1.
Variant type: single nucleotide variant.
Coding change: c.1415A>G on transcript NM_007194.4 (MANE Select); coding-DNA position 1415, A replaced by G.
Protein change: p.Lys472Arg; replaces lysine 472 with arginine.
Molecular consequence: missense variant.
Genome position (GRCh38, 1-based): chr22:28,694,078, T>C on the plus strand (A>G on the coding strand, the complement: CHEK2 is on the minus strand). VCF-style: chr22-28694078-T-C. GRCh37 (hg19) VCF-style: chr22-29090066-T-C.
Other names: c.1544A>G, p.Lys515Arg (NM_001005735.3); c.752A>G, p.Lys251Arg (NM_001257387.3); c.1214A>G, p.Lys405Arg (NM_001349956.3); c.1328A>G, p.Lys443Arg (NM_145862.3); short protein forms K472R, K251R, K405R, K443R, K515R.
Identifiers: ClinVar variation 418901 (VCV000418901.16), dbSNP rs1064793511, ClinGen allele CA16621046.